The following is an entry in ClinVar:

NM_001080517.3(SETD5):c.3266_3267del (p.Ser1089fs)

Gene: SETD5 (SET domain containing 5; plus strand). Cytogenetic location: 3p25.3.
Variant type: Microsatellite.
Coding change: c.3266_3267del on transcript NM_001080517.3 (MANE Select); coding-DNA positions 3266 to 3267, 2 bases deleted (CT; older notation c.3266_3267delCT).
Protein change: p.Ser1089fs; shifts the reading frame from serine 1089.
Molecular consequence: frameshift variant.
Genome position (GRCh38, 1-based): chr3:9,473,306-9,473,307, CT deleted; deleting any 2 consecutive bases within chr3:9,473,304-9,473,307 gives the same sequence; the c. name uses the placement nearest the transcript's 3' end. VCF-style (leftmost placement, unchanged base first): chr3-9473303-ACT-A. GRCh37 (hg19) VCF-style: chr3-9514987-ACT-A.
Other names: c.2972_2973del, p.Ser991fs (NM_001292043.2, NM_001349451.2); short protein forms S991fs, S1089fs.
Identifiers: ClinVar variation 423295 (VCV000423295.2), dbSNP rs1064796348, ClinGen allele CA16618013.

ClinVar aggregate classification (germline): Pathogenic (1 of 4 stars; one submission).

Submission:

GeneDx
Classification: Pathogenic. Last evaluated: 2017-02-16. Review status: criteria provided, single submitter. Criteria: GeneDx Variant Classification (06012015). Collection method: clinical testing. Allele origin: germline. Affected: yes.
Comment: The c.3266_3267delCT pathogenic variant in the SETD5 gene causes a frameshift starting with codon Serine 1089, changes this amino acid to a Cysteine residue and creates a premature Stop codon at position 16 of the new reading frame, denoted p.Ser1089CysfsX16. This variant is predicted to cause loss of normal protein function either through protein truncation or nonsense-mediated mRNA decay. The c.3266_3267delCT variant is not observed in large population cohorts (Lek et al., 2016; 1000 Genomes Consortium et al., 2015; Exome Variant Server). Other frameshift and loss of function variants in SETD5 have been reported in association with intellectual disability in the Human Gene Mutation Database (Stenson et al., 2014).